The following is an entry in ClinVar:

NM_004758.4(TSPOAP1):c.4964G>A (p.Arg1655Gln)

Gene: TSPOAP1 (TSPO associated protein 1; minus strand). Cytogenetic location: 17q22.
Variant type: single nucleotide variant.
Coding change: c.4964G>A on transcript NM_004758.4 (MANE Select); coding-DNA position 4964, G replaced by A.
Protein change: p.Arg1655Gln; replaces arginine 1655 with glutamine.
Molecular consequence: missense variant.
Genome position (GRCh38, 1-based): chr17:58,307,630, C>T on the plus strand (G>A on the coding strand, the complement: TSPOAP1 is on the minus strand). VCF-style: chr17-58307630-C-T. GRCh37 (hg19) VCF-style: chr17-56384991-C-T.
Other names: c.4964G>A (NM_004758.2, NM_004758.3); c.4964G>A, p.Arg1655Gln (NM_001261835.2); c.4784G>A, p.Arg1595Gln (NM_024418.3); short protein forms R1595Q, R1655Q.
Identifiers: ClinVar variation 1342548 (VCV001342548.6), dbSNP rs147089668, ClinGen allele CA8671429.

ClinVar aggregate classification (germline): Conflicting classifications of pathogenicity. Review status: criteria provided, conflicting classifications (1 of 4 stars). 4 submissions from 4 submitters: Uncertain significance (2); Likely benign (1). 1 of the submissions does not count toward it. Last evaluated 2026-09-01.

Conditions:
TSPOAP1-related disorder. Also called: TSPOAP1-related condition.
TSPOAP1-related Dystonia.

Allele frequency attached by ClinVar (database versions not stated): 1000 Genomes Project 0.00040; 1000 Genomes Project 30x 0.00047; ExAC 0.00080; TOPMed 0.00088; gnomAD exomes 0.00092 and 0.00142; gnomAD 0.00096; ESP Exome Variant Server 0.00138.
gnomAD v4.1: 2,193 of 1,613,954 alleles (0.14%); highest among the groups gnomAD compares: Non-Finnish European, 0.17%; no homozygotes.

Submissions (4):

CeGaT Center for Human Genetics Tuebingen
Classification: Likely benign. Last evaluated: 2026-09-01. Review status: criteria provided, single submitter. Criteria: CeGaT Center For Human Genetics Tuebingen Variant Classification Criteria Version 2. Collection method: clinical testing. Allele origin: germline. Affected: yes. Observed: 1 variant allele.
Comment: TSPOAP1: BP4

Ambry Genetics
Classification: Uncertain significance. Last evaluated: 2021-08-09. Review status: criteria provided, single submitter. Criteria: Ambry Variant Classification Scheme 2023. Collection method: clinical testing. Allele origin: germline.

New York Genome Center
Classification: Uncertain significance for TSPOAP1-related Dystonia. Last evaluated: 2021-05-14. Review status: criteria provided, single submitter. Criteria: NYGC Assertion Criteria 2020. Collection method: clinical testing. Allele origin: inherited. Observed: 1 compound heterozygote. Study: CSER-NYCKidSeq.

PreventionGenetics, part of Exact Sciences
Classification: Likely benign for TSPOAP1-related condition. Last evaluated: 2024-06-03. Review status: no assertion criteria provided. Collection method: clinical testing. Allele origin: germline. Not counted in ClinVar's aggregate classification.
Comment: This variant is classified as likely benign based on ACMG/AMP sequence variant interpretation guidelines (Richards et al. 2015 PMID: 25741868, with internal and published modifications).